The following is an entry in ClinVar:

ClinVar aggregate classification (germline): Uncertain significance (1 of 4 stars; one submission).

Conditions:
Hereditary cancer-predisposing syndrome. Also called: Tumor predisposition; Hereditary Cancer Syndrome; Neoplastic Syndromes, Hereditary; Hereditary neoplastic syndrome. Identifiers: Orphanet 140162, MedGen C0027672, MeSH D009386, MONDO:0015356.

Submission:

Labcorp Genetics (formerly Invitae), Labcorp
Classification: Uncertain significance for Hereditary cancer-predisposing syndrome. Last evaluated: 2022-05-26. Review status: criteria provided, single submitter. Criteria: Invitae Variant Classification Sherloc (09022015). Collection method: clinical testing. Allele origin: germline.
Comment: In summary, the available evidence is currently insufficient to determine the role of this variant in disease. Therefore, it has been classified as a Variant of Uncertain Significance. Algorithms developed to predict the effect of missense changes on protein structure and function (SIFT, PolyPhen-2, Align-GVGD) all suggest that this variant is likely to be tolerated. This variant has not been reported in the literature in individuals affected with RAD50-related conditions. This variant is not present in population databases (gnomAD no frequency). This sequence change replaces aspartic acid, which is acidic and polar, with glycine, which is neutral and non-polar, at codon 1192 of the RAD50 protein (p.Asp1192Gly).

NM_005732.4(RAD50):c.3575A>G (p.Asp1192Gly)

Genes: TH2-LCR (Th2 cytokine locus control region; plus strand), TH2LCRR (T helper type 2 locus control region associated RNA; minus strand), RAD50 (RAD50 double strand break repair protein; plus strand). Cytogenetic location: 5q31.1.
Variant type: single nucleotide variant.
Coding change: c.3575A>G on transcript NM_005732.4 (MANE Select); coding-DNA position 3575, A replaced by G.
Protein change: p.Asp1192Gly; replaces aspartic acid 1192 with glycine.
Molecular consequence: missense variant. On other transcripts: non-coding transcript variant (3).
Genome position (GRCh38, 1-based): chr5:132,638,180, A>G. VCF-style: chr5-132638180-A-G. GRCh37 (hg19) VCF-style: chr5-131973872-A-G.
Other names: short protein forms D1192G.
Identifiers: ClinVar variation 2060037 (VCV002060037.4), dbSNP rs2479427939, ClinGen allele CA360932133.